The following is an entry in ClinVar:

NM_001283009.2(RTEL1):c.2524G>C (p.Glu842Gln)

Genes: RTEL1 (regulator of telomere elongation helicase 1; plus strand), RTEL1-TNFRSF6B (RTEL1-TNFRSF6B readthrough (NMD candidate); plus strand). Cytogenetic location: 20q13.33.
Variant type: single nucleotide variant.
Coding change: c.2524G>C on transcript NM_001283009.2 (MANE Select); coding-DNA position 2524, G replaced by C.
Protein change: p.Glu842Gln; replaces glutamic acid 842 with glutamine.
Molecular consequence: missense variant. On other transcripts: non-coding transcript variant (1).
Genome position (GRCh38, 1-based): chr20:63,690,915, G>C. VCF-style: chr20-63690915-G-C. GRCh37 (hg19) VCF-style: chr20-62322268-G-C.
Other names: c.2596G>C, p.Glu866Gln (NM_032957.5); c.1855G>C, p.Glu619Gln (NM_001283010.1); c.2524G>C, p.Glu842Gln (NM_016434.4); short protein forms E619Q, E842Q, E866Q.
Identifiers: ClinVar variation 4863616 (VCV004863616.1).

ClinVar aggregate classification (germline): Uncertain significance (1 of 4 stars; one submission).

Conditions:
Inborn genetic diseases. Identifiers: MedGen C0950123, MeSH D030342.

Submission:

Ambry Genetics
Classification: Uncertain significance for Inborn genetic diseases. Last evaluated: 2026-06-09. Review status: criteria provided, single submitter. Criteria: Ambry Variant Classification Scheme 2023. Collection method: clinical testing. Allele origin: germline.
Comment: The p.E842Q variant (also known as c.2524G>C), located in coding exon 26 of the RTEL1 gene, results from a G to C substitution at nucleotide position 2524. The glutamic acid at codon 842 is replaced by glutamine, an amino acid with highly similar properties. This amino acid position is conserved. In addition, this alteration is predicted to be tolerated by in silico analysis. Based on the available evidence, the clinical significance of this variant remains unclear.